The following is an entry in ClinVar:

ClinVar aggregate classification (germline): Pathogenic (1 of 4 stars; one submission).
ClinVar aggregate classification (oncogenicity): Likely oncogenic (1 of 4 stars; one submission).

Conditions:
Inborn genetic diseases. Identifiers: MedGen C0950123, MeSH D030342.
Neoplasm. Also called: tumor; Neoplasms; Neoplasm (disease). Identifiers: MedGen C0027651, MeSH D009369, MONDO:0005070, HP:0002664.

Submissions (2):

Center for Genomic Medicine, Rigshospitalet, Copenhagen University Hospital
Classification: Likely oncogenic for Neoplasm. Last evaluated: 2025-03-04. Review status: criteria provided, single submitter. Criteria: ClinGen/CGC/VICC Guidelines for Oncogenicity, 2022. Collection method: clinical testing. Allele origin: somatic. Affected: yes.

Ambry Genetics
Classification: Pathogenic for Inborn genetic diseases. Last evaluated: 2019-12-30. Review status: criteria provided, single submitter. Criteria: Ambry Variant Classification Scheme 2023. Collection method: clinical testing. Allele origin: germline.
Comment: The p.R1276* pathogenic mutation (also known as c.3826C>T), located in coding exon 15 of the ARID1A gene, results from a C to T substitution at nucleotide position 3826. This changes the amino acid from an arginine to a stop codon within coding exon 15. This alteration has been detected as a somatic mutation in gastric, panceatic, and ampullary tumors (Wang K et al. Nat. Genet., 2011 Oct;43:1219-23; Jones S et al. Hum. Mutat., 2012 Jan;33:100-3; Nastase A et al. Am J Cancer Res, 2017 Mar;7:484-502). In addition to the clinical data presented in the literature, this alteration is expected to result in loss of function by premature protein truncation or nonsense-mediated mRNA decay. As such, this alteration is interpreted as a disease-causing mutation.

Literature cited by the submitters: PubMed 29736026 (cited by Center for Genomic Medicine, Rigshospitalet, Copenhagen University Hospital); PubMed 22009941 (cited by Ambry Genetics); PubMed 22037554 (cited by Ambry Genetics); PubMed 28401006 (cited by Ambry Genetics).

NM_006015.6(ARID1A):c.3826C>T (p.Arg1276Ter)

Gene: ARID1A (AT-rich interaction domain 1A; plus strand). Cytogenetic location: 1p36.11.
Variant type: single nucleotide variant.
Coding change: c.3826C>T on transcript NM_006015.6 (MANE Select); coding-DNA position 3826, C replaced by T.
Protein change: p.Arg1276Ter; replaces arginine 1276 with a stop codon.
Molecular consequence: nonsense.
Genome position (GRCh38, 1-based): chr1:26,773,456, C>T. VCF-style: chr1-26773456-C-T. GRCh37 (hg19) VCF-style: chr1-27099947-C-T.
Other names: c.3826C>T, p.Arg1276Ter (NM_139135.4); short protein forms R1276*.
Identifiers: ClinVar variation 1735301 (VCV001735301.4), dbSNP rs2124111295, ClinGen allele CA339168803.